The following is an entry in ClinVar:

ClinVar aggregate classification (germline): Likely benign (1 of 4 stars; one submission).

Conditions:
Neurofibromatosis, type 1 (NF1). Also called: VON RECKLINGHAUSEN DISEASE; NEUROFIBROMATOSIS, TYPE I, SOMATIC; Peripheral type neurofibromatosis; Neurofibromatosis, type I. Identifiers: Orphanet 636, MedGen C0027831, MONDO:0018975, OMIM 162200. Disease mechanism: loss of function.

Submission:

Myriad Genetics, Inc.
Classification: Likely benign for Neurofibromatosis, type 1. Last evaluated: 2026-05-12. Review status: criteria provided, single submitter. Criteria: Myriad Autosomal Dominant, Autosomal Recessive and X-Linked Classification Criteria (2023). Collection method: clinical testing. Allele origin: unknown.
Comment: This variant is considered likely benign. This variant is intronic and is not expected to impact mRNA splicing.

NM_001042492.3(NF1):c.3315-9A>G

Gene: NF1 (neurofibromin 1; plus strand). Cytogenetic location: 17q11.2.
Variant type: single nucleotide variant.
Coding change: c.3315-9A>G on transcript NM_001042492.3 (MANE Select); 9 bases into the intron before coding-DNA position 3315, A replaced by G.
Molecular consequence: intron variant.
Genome position (GRCh38, 1-based): chr17:31,232,691, A>G. VCF-style: chr17-31232691-A-G. GRCh37 (hg19) VCF-style: chr17-29559709-A-G.
Other names: c.3315-9A>G (NM_000267.4).
Identifiers: ClinVar variation 4875839 (VCV004875839.1).